The following is an entry in ClinVar:

ClinVar aggregate classification (germline): other (4 of 4 stars; one submission).

Conditions:
Fragile X syndrome. Also called: Fragile X syndrome, type A; Fra(X) syndrome; Fragile X Syndrome (FXS); MARKER X SYNDROME; MARTIN-BELL SYNDROME; MENTAL RETARDATION, X-LINKED, ASSOCIATED WITH marXq28. Identifiers: Orphanet 449291, Orphanet 908, MedGen C0016667, MONDO:0010383, OMIM 300624. Disease mechanism: loss of function.

Submission:

American College of Medical Genetics and Genomics  (ACMG)
Classification: other for Fragile X syndrome. Last evaluated: 2013-03-19. Review status: practice guideline. Criteria: ACMG FXS Guidelines, 2013. Collection method: curation. Allele origin: germline. Inheritance: X-linked inheritance. Affected: no.
Comment: These alleles are long repeat tracks that are unstably transmitted from parent to child. Expansions from the premutation size range to the full mutation typically occur during maternal transmission. FMR1 alleles in the premutation size range are not hypermethylated and are not associated with fragile X syndrome.

NC_000023.10:g.146993570GGC[(55_200)]

Gene: FMR1 (fragile X messenger ribonucleoprotein 1; plus strand).
Variant type: Microsatellite.
Other names: c.-128GGC[55-200] (NM_002024.5).
Identifiers: ClinVar variation 973208 (VCV000973208.1).